The following is an entry in ClinVar:

NM_032043.3(BRIP1):c.2308G>T (p.Asp770Tyr)

Gene: BRIP1 (BRCA1 interacting DNA helicase 1; minus strand). Cytogenetic location: 17q23.2.
Variant type: single nucleotide variant.
Coding change: c.2308G>T on transcript NM_032043.3 (MANE Select); coding-DNA position 2308, G replaced by T.
Protein change: p.Asp770Tyr; replaces aspartic acid 770 with tyrosine.
Molecular consequence: missense variant.
Genome position (GRCh38, 1-based): chr17:61,743,084, C>A on the plus strand (G>T on the coding strand, the complement: BRIP1 is on the minus strand). VCF-style: chr17-61743084-C-A. GRCh37 (hg19) VCF-style: chr17-59820445-C-A.
Other names: c.2308G>T (NM_032043.2); short protein forms D770Y.
Identifiers: ClinVar variation 1474688 (VCV001474688.10), dbSNP rs2077007860, ClinGen allele CA400482667.

ClinVar aggregate classification (germline): Uncertain significance. Review status: criteria provided, multiple submitters, no conflicts (2 of 4 stars). 2 submissions from 2 submitters: Uncertain significance (2). Last evaluated 2026-02-18.

Conditions:
Hereditary cancer-predisposing syndrome. Also called: Neoplastic Syndromes, Hereditary; Tumor predisposition; Hereditary Cancer Syndrome; Hereditary neoplastic syndrome. Identifiers: Orphanet 140162, MedGen C0027672, MeSH D009386, MONDO:0015356.
Familial cancer of breast. Also called: BREAST CANCER, FAMILIAL; Hereditary breast cancer; hereditary breast carcinoma. Identifiers: Orphanet 227535, MedGen C0346153, MONDO:0016419, OMIM 114480. Disease mechanism: loss of function.
Fanconi anemia complementation group J. Also called: BRIP1-Related Fanconi Anemia. Identifiers: Orphanet 84, MedGen C1836860, MONDO:0012187, OMIM 609054.

Allele frequency attached by ClinVar (database versions not stated): gnomAD exomes below 0.00001; TOPMed below 0.00001.
gnomAD v4.1: 2 of 1,613,902 alleles (0.00012%); highest among the groups gnomAD compares: South Asian, 0.0011%; no homozygotes.

Submissions (2):

Ambry Genetics
Classification: Uncertain significance for Hereditary cancer-predisposing syndrome. Last evaluated: 2026-02-18. Review status: criteria provided, single submitter. Criteria: Ambry Variant Classification Scheme 2023. Collection method: clinical testing. Allele origin: germline.
Comment: The p.D770Y variant (also known as c.2308G>T), located in coding exon 15 of the BRIP1 gene, results from a G to T substitution at nucleotide position 2308. The aspartic acid at codon 770 is replaced by tyrosine, an amino acid with highly dissimilar properties. This amino acid position is highly conserved in available vertebrate species. In addition, this alteration is predicted to be deleterious by in silico analysis. Based on the available evidence, the clinical significance of this variant remains unclear.

Labcorp Genetics (formerly Invitae), Labcorp
Classification: Uncertain significance for Familial cancer of breast; Fanconi anemia complementation group J. Last evaluated: 2025-05-07. Review status: criteria provided, single submitter. Criteria: Invitae Variant Classification Sherloc (09022015). Collection method: clinical testing. Allele origin: germline.
Comment: This sequence change replaces aspartic acid, which is acidic and polar, with tyrosine, which is neutral and polar, at codon 770 of the BRIP1 protein (p.Asp770Tyr). This variant is not present in population databases (gnomAD no frequency). This variant has not been reported in the literature in individuals affected with BRIP1-related conditions. ClinVar contains an entry for this variant (Variation ID: 1474688). Invitae Evidence Modeling of protein sequence and biophysical properties (such as structural, functional, and spatial information, amino acid conservation, physicochemical variation, residue mobility, and thermodynamic stability) has been performed for this missense variant. However, the output from this modeling did not meet the statistical confidence thresholds required to predict the impact of this variant on BRIP1 protein function. In summary, the available evidence is currently insufficient to determine the role of this variant in disease. Therefore, it has been classified as a Variant of Uncertain Significance.